The following is an entry in ClinVar:

ClinVar aggregate classification (germline): Likely benign (0 of 4 stars; one submission).

Allele frequency attached by ClinVar (database versions not stated): ExAC 0.00004; gnomAD 0.00004 and 0.00003; gnomAD exomes 0.00004; TOPMed 0.00006.
gnomAD v4.1: 108 of 1,613,748 alleles (0.0067%); highest among the groups gnomAD compares: Non-Finnish European, 0.0082%; no homozygotes.

Submissions (2):

Department of Pathology and Laboratory Medicine, Sinai Health System
Classification: Likely benign. Review status: no assertion criteria provided. Collection method: clinical testing. Allele origin: unknown. Affected: yes. Study: The Canadian Open Genetics Repository (COGR).
Comment: The MAPK8IP3 p.Gly461Gly variant was not identified in the literature nor was it identified in ClinVar. The variant was identified in dbSNP (ID: rs754927638) and in control databases in 9 of 249418 chromosomes at a frequency of 0.00003608 (Genome Aggregation Database March 6, 2019, v2.1.1). The variant was observed in the following populations: Other in 2 of 6060 chromosomes (freq: 0.00033) and European (non-Finnish) in 7 of 113194 chromosomes (freq: 0.000062), but was not observed in the African, Latino, Ashkenazi Jewish, East Asian, European (Finnish), or South Asian populations. This frequency is greater than excepted for rare, autosomal dominant neurodevelopmental disorder with or without variable brain abnormalities. The p.Gly461Gly variant is not expected to have clinical significance because it does not result in a change of amino acid and is not located in a known consensus splice site. However, 4 of 4 in silico or computational prediction software programs (SpliceSiteFinder, MaxEntScan, NNSPLICE, GeneSplicer) predict a greater than 10% difference in splicing and the creation of a new 5' splice site. However, this has not been confirmed by RNA analysis and is not predictive enough to assume pathogenicity. In summary, based on the above information the clinical significance of this variant cannot be determined with certainty at this time although we would lean towards a more benign role for this variant. This variant is classified as likely benign.

Dr. Peter K. Rogan Lab, Western University
No classification provided (evidence only). Condition: Cervical cancer. Review status: no classification provided. Collection method: in vitro. Allele origin: not applicable. Functional consequence: retained intron. Not counted in ClinVar's aggregate classification.

NM_001318852.2(MAPK8IP3):c.1383C>T (p.Gly461=)

Gene: MAPK8IP3 (mitogen-activated protein kinase 8 interacting protein 3; plus strand). Cytogenetic location: 16p13.3.
Variant type: single nucleotide variant.
Coding change: c.1383C>T on transcript NM_001318852.2 (MANE Select); coding-DNA position 1383, C replaced by T.
Protein change: p.Gly461=; no amino-acid change (glycine 461 retained).
Molecular consequence: synonymous variant.
Genome position (GRCh38, 1-based): chr16:1,760,458, C>T. VCF-style: chr16-1760458-C-T. GRCh37 (hg19) VCF-style: chr16-1810459-C-T.
Other names: NC_000016.9:g.1810459C>T; c.1362C>T, p.Gly454= (NM_001040439.2); c.1380C>T, p.Gly460= (NM_015133.5).
Identifiers: ClinVar variation 1049220 (VCV001049220.2), dbSNP rs754927638, ClinGen allele CA7816823.